The following is an entry in ClinVar:

ClinVar aggregate classification (germline): Uncertain significance. Review status: criteria provided, multiple submitters, no conflicts (2 of 4 stars). 2 submissions from 2 submitters: Uncertain significance (2). Last evaluated 2025-06-11.

gnomAD v4.1: 2 of 1,605,602 alleles (0.00012%); highest among the groups gnomAD compares: Admixed American, 0.0017%; no homozygotes.

Submissions (2):

Labcorp Genetics (formerly Invitae), Labcorp
Classification: Uncertain significance. Last evaluated: 2025-06-11. Review status: criteria provided, single submitter. Criteria: Invitae Variant Classification Sherloc (09022015). Collection method: clinical testing. Allele origin: germline.
Comment: This sequence change replaces arginine, which is basic and polar, with cysteine, which is neutral and slightly polar, at codon 6 of the CUL7 protein (p.Arg6Cys). The frequency data for this variant in the population databases is considered unreliable, as metrics indicate poor data quality at this position in the gnomAD database. This variant has not been reported in the literature in individuals affected with CUL7-related conditions. ClinVar contains an entry for this variant (Variation ID: 1390087). An algorithm developed to predict the effect of missense changes on protein structure and function (PolyPhen-2) suggests that this variant is likely to be disruptive. In summary, the available evidence is currently insufficient to determine the role of this variant in disease. Therefore, it has been classified as a Variant of Uncertain Significance.

GeneDx
Classification: Uncertain significance. Last evaluated: 2025-03-10. Review status: criteria provided, single submitter. Criteria: GeneDx Variant Classification Process June 2021. Collection method: clinical testing. Allele origin: germline. Affected: yes.
Comment: In silico analysis supports that this missense variant has a deleterious effect on protein structure/function; Has not been previously published as pathogenic or benign to our knowledge

NM_014780.5(CUL7):c.16C>T (p.Arg6Cys)

Gene: CUL7 (cullin 7; minus strand). Cytogenetic location: 6p21.1.
Variant type: single nucleotide variant.
Coding change: c.16C>T on transcript NM_014780.5 (MANE Select); coding-DNA position 16, C replaced by T.
Protein change: p.Arg6Cys; replaces arginine 6 with cysteine.
Molecular consequence: missense variant.
Genome position (GRCh38, 1-based): chr6:43,052,773, G>A on the plus strand (C>T on the coding strand, the complement: CUL7 is on the minus strand). VCF-style: chr6-43052773-G-A. GRCh37 (hg19) VCF-style: chr6-43020511-G-A.
Other names: c.16C>T, p.Arg6Cys (NM_001168370.2, NM_001374872.1, NM_001374873.1 and 1 more transcripts); c.16C>T (NM_014780.4); short protein forms R6C.
Identifiers: ClinVar variation 1390087 (VCV001390087.7), dbSNP rs758991893, ClinGen allele CA364231115.